The following is an entry in ClinVar:

ClinVar aggregate classification (germline): Likely benign. Review status: criteria provided, multiple submitters, no conflicts (2 of 4 stars). 3 submissions from 3 submitters: Likely benign (3). Last evaluated 2023-11-02.

Conditions:
Charcot-Marie-Tooth disease type 4. Also called: Charcot-Marie-Tooth disease, type IV; Charcot-Marie-Tooth, Type 4. Identifiers: Orphanet 64749, MedGen C4082197, MONDO:0018995.
Inborn genetic diseases. Identifiers: MedGen C0950123, MeSH D030342.

Allele frequency attached by ClinVar (database versions not stated): gnomAD 0.00001; TOPMed 0.00001.
gnomAD v4.1: 18 of 1,613,588 alleles (0.0011%); highest among the groups gnomAD compares: Non-Finnish European, 0.0015%; no homozygotes.

Submissions (3):

Labcorp Genetics (formerly Invitae), Labcorp
Classification: Likely benign for Charcot-Marie-Tooth disease type 4. Last evaluated: 2023-11-02. Review status: criteria provided, single submitter. Criteria: Invitae Variant Classification Sherloc (09022015). Collection method: clinical testing. Allele origin: germline.

Ambry Genetics
Classification: Likely benign for Inborn genetic diseases. Last evaluated: 2019-07-11. Review status: criteria provided, single submitter. Criteria: Ambry Variant Classification Scheme 2023. Collection method: clinical testing. Allele origin: germline.

GeneDx
Classification: Likely benign. Last evaluated: 2017-02-08. Review status: criteria provided, single submitter. Criteria: GeneDx Variant Classification (06012015). Collection method: clinical testing. Allele origin: germline. Affected: yes.
Comment: This variant is considered likely benign or benign based on one or more of the following criteria: it is a conservative change, it occurs at a poorly conserved position in the protein, it is predicted to be benign by multiple in silico algorithms, and/or has population frequency not consistent with disease.

NM_024577.4(SH3TC2):c.1311C>T (p.Asp437=)

Gene: SH3TC2 (SH3 domain and tetratricopeptide repeats 2; minus strand). Cytogenetic location: 5q32.
Variant type: single nucleotide variant.
Coding change: c.1311C>T on transcript NM_024577.4 (MANE Select); coding-DNA position 1311, C replaced by T.
Protein change: p.Asp437=; no amino-acid change (aspartic acid 437 retained).
Molecular consequence: synonymous variant.
Genome position (GRCh38, 1-based): chr5:149,028,421, G>A on the plus strand (C>T on the coding strand, the complement: SH3TC2 is on the minus strand). VCF-style: chr5-149028421-G-A. GRCh37 (hg19) VCF-style: chr5-148407984-G-A.
Identifiers: ClinVar variation 517709 (VCV000517709.13), dbSNP rs749587305, ClinGen allele CA128988533.
Genomic context (GRCh38, chr5:149,028,421, plus strand): 5'-GCTTAGGTCCATGAGCAGTTCCGGGTCATCAAGGTCATCAGGCTCCGGCAGGCGATAGCT[G>A]TCTGAGGTGGCCGAGAGGAGCTCCTCCTCCAGGCTGGAGTCCTCAGAGCTGCTGGACTGT-3'
Protein context (NP_078853.2, residues 427-447): LEEELLSATS[Asp437=]SYRLPEPDDL